The following is an entry in ClinVar:

ClinVar aggregate classification (germline): Pathogenic (1 of 4 stars; one submission).

Submission:

Labcorp Genetics (formerly Invitae), Labcorp
Classification: Pathogenic. Last evaluated: 2025-02-28. Review status: criteria provided, single submitter. Criteria: Invitae Variant Classification Sherloc (09022015). Collection method: clinical testing. Allele origin: germline.
Comment: This sequence change creates a premature translational stop signal (p.Asn1309Metfs*20) in the FAT4 gene. It is expected to result in an absent or disrupted protein product. Loss-of-function variants in FAT4 are known to be pathogenic (PMID: 24056717, 24913602). This variant is not present in population databases (gnomAD no frequency). This variant has not been reported in the literature in individuals affected with FAT4-related conditions. For these reasons, this variant has been classified as Pathogenic.

Literature cited by the submitters: PubMed 24056717; PubMed 24913602.

NM_001291303.3(FAT4):c.3926del (p.Asn1309fs)

Gene: FAT4 (FAT atypical cadherin 4; plus strand). Cytogenetic location: 4q28.1.
Variant type: Deletion.
Coding change: c.3926del on transcript NM_001291303.3 (MANE Select); coding-DNA position 3926, one base deleted (A; older notation c.3926delA).
Protein change: p.Asn1309fs; shifts the reading frame from asparagine 1309.
Molecular consequence: frameshift variant. On other transcripts: intron variant (1).
Genome position (GRCh38, 1-based): chr4:125,320,337, A deleted; the last of 4 consecutive A bases (chr4:125,320,334-125,320,337); deleting any one gives the same sequence. VCF-style (leftmost placement, unchanged base first): chr4-125320333-GA-G. GRCh37 (hg19) VCF-style: chr4-126241488-GA-G.
Other names: c.3926del, p.Asn1309fs (NM_001291285.3, NM_001438396.1, NM_001438397.1 and 1 more transcripts); c.-55+4360del (NM_001437895.1); short protein forms N1309fs.
Identifiers: ClinVar variation 4714111 (VCV004714111.1).